The following is an entry in ClinVar:

NM_006015.6(ARID1A):c.4199_4204del (p.Pro1400_Gln1401del)

Gene: ARID1A (AT-rich interaction domain 1A; plus strand). Cytogenetic location: 1p36.11.
Variant type: Deletion.
Coding change: c.4199_4204del on transcript NM_006015.6 (MANE Select); coding-DNA positions 4199 to 4204, 6 bases deleted (CTCAGC; older notation c.4199_4204delCTCAGC).
Protein change: p.Pro1400_Gln1401del.
Molecular consequence: inframe deletion. On other transcripts: inframe indel (1), intron variant (1).
Genome position (GRCh38, 1-based): chr1:26,774,426-26,774,431, CTCAGC deleted; deleting any 6 consecutive bases within chr1:26,774,422-26,774,431 gives the same sequence; the c. name uses the placement nearest the transcript's 3' end. VCF-style (leftmost placement, unchanged base first): chr1-26774421-GCAGCCT-G. GRCh37 (hg19) VCF-style: chr1-27100912-GCAGCCT-G.
Other names: c.4199_4204delCTCAGC, p.Pro1400_Gln1401del (NM_006015.4); c.4101+528_4101+533del (NM_139135.4).
Identifiers: ClinVar variation 4686332 (VCV004686332.1).

ClinVar aggregate classification (germline): Uncertain significance (1 of 4 stars; one submission).

Submission:

GeneDx
Classification: Uncertain significance. Last evaluated: 2025-07-17. Review status: criteria provided, single submitter. Criteria: GeneDx Variant Classification Process June 2021. Collection method: clinical testing. Allele origin: germline. Affected: yes.
Comment: Not observed at significant frequency in large population cohorts (gnomAD); In-frame deletion of 2 amino acid(s) in a non-repeat region; In silico analysis suggests that this variant does not alter protein structure/function; Has not been previously published as pathogenic or benign to our knowledge